The following is an entry in ClinVar:

ClinVar aggregate classification (germline): Likely pathogenic (1 of 4 stars; one submission).

Submission:

CeGaT Center for Human Genetics Tuebingen
Classification: Likely pathogenic. Last evaluated: 2025-04-01. Review status: criteria provided, single submitter. Criteria: CeGaT Center For Human Genetics Tuebingen Variant Classification Criteria Version 2. Collection method: clinical testing. Allele origin: germline. Affected: yes. Observed: 1 variant allele.
Comment: GLA: PM1, PM2, PM5

NM_000169.3(GLA):c.550T>C (p.Tyr184His)

Genes: GLA (galactosidase alpha; minus strand), RPL36A-HNRNPH2 (RPL36A-HNRNPH2 readthrough; plus strand). Cytogenetic location: Xq22.1.
Variant type: single nucleotide variant.
Coding change: c.550T>C on transcript NM_000169.3 (MANE Select); coding-DNA position 550, T replaced by C.
Protein change: p.Tyr184His; replaces tyrosine 184 with histidine.
Molecular consequence: missense variant. On other transcripts: non-coding transcript variant (2), intron variant (2).
Genome position (GRCh38, 1-based): chrX:101,400,755, A>G on the plus strand (T>C on the coding strand, the complement: GLA is on the minus strand). VCF-style: chrX-101400755-A-G. GRCh37 (hg19) VCF-style: chrX-100655743-A-G.
Other names: c.673T>C, p.Tyr225His (NM_001406747.1); c.550T>C, p.Tyr184His (NM_001406748.1); c.300+5298A>G (NM_001199973.2); c.177+8933A>G (NM_001199974.2); short protein forms Y184H, Y225H.
Identifiers: ClinVar variation 3898745 (VCV003898745.7).